The following is an entry in ClinVar:

ClinVar aggregate classification (germline): Uncertain significance (1 of 4 stars; one submission).

Conditions:
Developmental and epileptic encephalopathy 94 (DEE94). Also called: Epileptic encephalopathy, childhood-onset; CHD2-Related Neurodevelopmental Disorders. Identifiers: Orphanet 1942, Orphanet 2382, MedGen C3809278, MONDO:0014150, OMIM 615369.

Allele frequency attached by ClinVar (database versions not stated): ESP Exome Variant Server 0.00008; gnomAD 0.00001; TOPMed 0.00001.
gnomAD v4.1: 1 of 1,612,834 alleles (0.000062%); highest among the groups gnomAD compares: African/African-American, 0.0013%; no homozygotes.

Submission:

Labcorp Genetics (formerly Invitae), Labcorp
Classification: Uncertain significance for Developmental and epileptic encephalopathy 94. Last evaluated: 2018-09-18. Review status: criteria provided, single submitter. Criteria: Invitae Variant Classification Sherloc (09022015). Collection method: clinical testing. Allele origin: germline.
Comment: This sequence change replaces arginine with leucine at codon 1440 of the CHD2 protein (p.Arg1440Leu). The arginine residue is moderately conserved and there is a moderate physicochemical difference between arginine and leucine. This variant is present in population databases (rs374157769, ExAC 0.02%). This variant has not been reported in the literature in individuals with CHD2-related disease. Algorithms developed to predict the effect of missense changes on protein structure and function are either unavailable or do not agree on the potential impact of this missense change (SIFT: "Deleterious"; PolyPhen-2: "Benign"; Align-GVGD: "Class C0"). In summary, the available evidence is currently insufficient to determine the role of this variant in disease. Therefore, it has been classified as a Variant of Uncertain Significance.

NM_001271.4(CHD2):c.4319G>T (p.Arg1440Leu)

Gene: CHD2 (chromodomain helicase DNA binding protein 2; plus strand). Cytogenetic location: 15q26.1.
Variant type: single nucleotide variant.
Coding change: c.4319G>T on transcript NM_001271.4 (MANE Select); coding-DNA position 4319, G replaced by T.
Protein change: p.Arg1440Leu; replaces arginine 1440 with leucine.
Molecular consequence: missense variant.
Genome position (GRCh38, 1-based): chr15:93,004,657, G>T. VCF-style: chr15-93004657-G-T. GRCh37 (hg19) VCF-style: chr15-93547887-G-T.
Other names: short protein forms R1440L.
Identifiers: ClinVar variation 651782 (VCV000651782.9), dbSNP rs374157769, ClinGen allele CA7748450.